The following is an entry in ClinVar:

NM_001384474.1(LOXHD1):c.4180G>A (p.Val1394Met)

Gene: LOXHD1 (lipoxygenase homology PLAT domains 1; minus strand). Cytogenetic location: 18q21.1.
Variant type: single nucleotide variant.
Coding change: c.4180G>A on transcript NM_001384474.1 (MANE Select); coding-DNA position 4180, G replaced by A.
Protein change: p.Val1394Met; replaces valine 1394 with methionine.
Molecular consequence: missense variant.
Genome position (GRCh38, 1-based): chr18:46,534,367, C>T on the plus strand (G>A on the coding strand, the complement: LOXHD1 is on the minus strand). VCF-style: chr18-46534367-C-T. GRCh37 (hg19) VCF-style: chr18-44114330-C-T.
Other names: c.847G>A, p.Val283Met (NM_001145472.3); c.559G>A, p.Val187Met (NM_001308013.2); c.4180G>A, p.Val1394Met (NM_144612.7); short protein forms V1394M, V283M, V187M.
Identifiers: ClinVar variation 326843 (VCV000326843.8), dbSNP rs368216643, ClinGen allele CA8952381.

ClinVar aggregate classification (germline): Uncertain significance. Review status: criteria provided, multiple submitters, no conflicts (2 of 4 stars). 4 submissions from 4 submitters: Uncertain significance (4). Last evaluated 2022-03-10.

Conditions:
Inborn genetic diseases. Identifiers: MedGen C0950123, MeSH D030342.
Autosomal recessive nonsyndromic hearing loss 77. Identifiers: Orphanet 90636, MedGen C2746083, MONDO:0013119, OMIM 613079.

Allele frequency attached by ClinVar (database versions not stated): gnomAD exomes 0.00003 and 0.00004; ExAC 0.00009; 1000 Genomes Project 0.00020; ESP Exome Variant Server 0.00022; gnomAD 0.00025 and 0.00026; 1000 Genomes Project 30x 0.00031; TOPMed 0.00033.
gnomAD v4.1: 96 of 1,551,586 alleles (0.0062%); highest among the groups gnomAD compares: African/African-American, 0.07%; no homozygotes.

Submissions (4):

Labcorp Genetics (formerly Invitae), Labcorp
Classification: Uncertain significance. Last evaluated: 2022-03-10. Review status: criteria provided, single submitter. Criteria: Invitae Variant Classification Sherloc (09022015). Collection method: clinical testing. Allele origin: germline.
Comment: This sequence change replaces valine, which is neutral and non-polar, with methionine, which is neutral and non-polar, at codon 1394 of the LOXHD1 protein (p.Val1394Met). This variant is present in population databases (rs368216643, gnomAD 0.07%). This variant has not been reported in the literature in individuals affected with LOXHD1-related conditions. ClinVar contains an entry for this variant (Variation ID: 326843). Algorithms developed to predict the effect of missense changes on protein structure and function are either unavailable or do not agree on the potential impact of this missense change (SIFT: "Deleterious"; PolyPhen-2: "Probably Damaging"; Align-GVGD: "Class C0"). In summary, the available evidence is currently insufficient to determine the role of this variant in disease. Therefore, it has been classified as a Variant of Uncertain Significance.

Ambry Genetics
Classification: Uncertain significance for Inborn genetic diseases. Last evaluated: 2021-07-14. Review status: criteria provided, single submitter. Criteria: Ambry Variant Classification Scheme 2023. Collection method: clinical testing. Allele origin: germline.

Illumina Laboratory Services, Illumina
Classification: Uncertain significance for Autosomal recessive nonsyndromic hearing loss 77. Last evaluated: 2018-01-13. Review status: criteria provided, single submitter. Criteria: ICSL Variant Classification Criteria 13 December 2019. Collection method: clinical testing. Allele origin: germline.

Breakthrough Genomics
Classification: Uncertain significance. Review status: criteria provided, single submitter. Criteria: ACMG Guidelines, 2015. Collection method: not provided. Allele origin: germline. Inheritance: Autosomal recessive inheritance. Affected: yes.